The following is an entry in ClinVar:

ClinVar aggregate classification (germline): Conflicting classifications of pathogenicity. Review status: criteria provided, conflicting classifications (1 of 4 stars). 4 submissions from 4 submitters: Uncertain significance (3); Likely benign (1). Last evaluated 2026-01-28.

Conditions:
Brugada syndrome 5 (BRGDA5). Identifiers: Orphanet 130, Orphanet 871, MedGen C2748541, MONDO:0013015, OMIM 612838.

Allele frequency attached by ClinVar (database versions not stated): gnomAD 0.00006 and 0.00007; gnomAD exomes 0.00007 and 0.00012; TOPMed 0.00012; ExAC 0.00014; ESP Exome Variant Server 0.00015; 1000 Genomes Project 30x 0.00016; 1000 Genomes Project 0.00020.
gnomAD v4.1: 103 of 1,552,498 alleles (0.0066%); highest among the groups gnomAD compares: Middle Eastern, 0.067%; 1 homozygote.

Submissions (4):

Labcorp Genetics (formerly Invitae), Labcorp
Classification: Uncertain significance for Brugada syndrome 5. Last evaluated: 2026-01-28. Review status: criteria provided, single submitter. Criteria: Invitae Variant Classification Sherloc (09022015). Collection method: clinical testing. Allele origin: germline.
Comment: This sequence change replaces arginine, which is basic and polar, with cysteine, which is neutral and slightly polar, at codon 225 of the SCN1B protein (p.Arg225Cys). This variant is present in population databases (rs369588692, gnomAD 0.02%). This missense change has been observed in individual(s) with sudden infant death syndrome (PMID: 28074886, 29915715). ClinVar contains an entry for this variant (Variation ID: 242250). An algorithm developed to predict the effect of missense changes on protein structure and function outputs the following: PolyPhen-2: "Benign". The cysteine amino acid residue is found in multiple mammalian species, which suggests that this missense change does not adversely affect protein function. Experimental studies have shown that this missense change affects SCN1B function (PMID: 29915715). In summary, the available evidence is currently insufficient to determine the role of this variant in disease. Therefore, it has been classified as a Variant of Uncertain Significance.

GeneDx
Classification: Uncertain significance. Last evaluated: 2025-04-29. Review status: criteria provided, single submitter. Criteria: GeneDx Variant Classification Process June 2021. Collection method: clinical testing. Allele origin: germline. Affected: yes.
Comment: Reported in a case of sudden infant death syndrome; no cardiac abnormalities were noted on autopsy (PMID: 29915715, 28074886); Electrophysiological studies suggest that p.(R225C) has a loss of function effect on sodium current; however, further studies are needed to confirm this finding (PMID: 29915715); In silico analysis indicates that this variant does not alter splicing; Reported using an alternate transcript of the gene; This variant is associated with the following publications: (PMID: 28074886, 29915715)

Women's Health and Genetics/Laboratory Corporation of America, LabCorp
Classification: Uncertain significance. Last evaluated: 2025-02-24. Review status: criteria provided, single submitter. Criteria: LabCorp Variant Classification Summary - May 2015. Collection method: clinical testing. Allele origin: germline.
Comment: Variant summary: SCN1B c.673C>T (p.Arg225Cys) results in a non-conservative amino acid change in the encoded protein sequence. Three of five in-silico tools predict a benign effect of the variant on protein function. The variant allele was found at a frequency of 0.00012 in 156104 control chromosomes. This frequency is not significantly higher than estimated for a pathogenic variant in SCN1B causing SCN1B-Related Disorders, allowing no conclusion about variant significance. c.673C>T has been reported in the literature in a case of sudden infant death syndrome (example: Neubauer_2018). These report(s) do not provide unequivocal conclusions about association of the variant with SCN1B-Related Disorders. At least one publication reports experimental evidence that this variant has a loss of function effect on sodium current, however, does not allow convincing conclusions about the variant effect (example: Neubauer_2018). The following publication has been ascertained in the context of this evaluation (PMID: 29915715). ClinVar contains an entry for this variant (Variation ID: 242250). Based on the evidence outlined above, the variant was classified as uncertain significance.

Blueprint Genetics
Classification: Likely benign. Last evaluated: 2024-11-05. Review status: criteria provided, single submitter. Criteria: ACMG Guidelines, 2015. Collection method: clinical testing. Allele origin: germline.

Literature cited by the submitters: PubMed 28074886 (cited by Labcorp Genetics (formerly Invitae), Labcorp); PubMed 29915715 (cited by Labcorp Genetics (formerly Invitae), Labcorp and Women's Health and Genetics/Laboratory Corporation of America, LabCorp).

NM_001037.5(SCN1B):c.448+225C>T

Gene: SCN1B (sodium voltage-gated channel beta subunit 1; plus strand). Cytogenetic location: 19q13.11.
Variant type: single nucleotide variant.
Coding change: c.448+225C>T on transcript NM_001037.5 (MANE Select); 225 bases into the intron after coding-DNA position 448, C replaced by T.
Molecular consequence: intron variant. On other transcripts: missense variant (1).
Genome position (GRCh38, 1-based): chr19:35,033,964, C>T. VCF-style: chr19-35033964-C-T. GRCh37 (hg19) VCF-style: chr19-35524868-C-T.
Other names: c.673C>T, p.Arg225Cys (NM_199037.5); c.349+225C>T (NM_001321605.2); short protein forms R225C.
Identifiers: ClinVar variation 242250 (VCV000242250.14), dbSNP rs369588692, ClinGen allele CA9372051.